The following is an entry in ClinVar:

ClinVar aggregate classification (germline): Uncertain significance (1 of 4 stars; one submission).

Conditions:
Inborn genetic diseases. Identifiers: MedGen C0950123, MeSH D030342.

Submission:

Ambry Genetics
Classification: Uncertain significance for Inborn genetic diseases. Last evaluated: 2023-03-09. Review status: criteria provided, single submitter. Criteria: Ambry Variant Classification Scheme 2023. Collection method: clinical testing. Allele origin: germline.
Comment: The p.A971T variant (also known as c.2911G>A), located in coding exon 14 of the ATR gene, results from a G to A substitution at nucleotide position 2911. The alanine at codon 971 is replaced by threonine, an amino acid with similar properties. This amino acid position is conserved. In addition, this alteration is predicted to be tolerated by in silico analysis. Since supporting evidence is limited at this time, the clinical significance of this alteration remains unclear.

NM_001184.4(ATR):c.2911G>A (p.Ala971Thr)

Gene: ATR (ATR checkpoint kinase; minus strand). Cytogenetic location: 3q23.
Variant type: single nucleotide variant.
Coding change: c.2911G>A on transcript NM_001184.4 (MANE Select); coding-DNA position 2911, G replaced by A.
Protein change: p.Ala971Thr; replaces alanine 971 with threonine.
Molecular consequence: missense variant.
Genome position (GRCh38, 1-based): chr3:142,550,197, C>T on the plus strand (G>A on the coding strand, the complement: ATR is on the minus strand). VCF-style: chr3-142550197-C-T. GRCh37 (hg19) VCF-style: chr3-142269039-C-T.
Other names: c.2719G>A, p.Ala907Thr (NM_001354579.2); short protein forms A971T, A907T.
Identifiers: ClinVar variation 2453607 (VCV002453607.2), dbSNP rs2108456198, ClinGen allele CA354812762.
Genomic context (GRCh38, chr3:142,550,197, plus strand): 5'-GAAAACGATTAAGATCAGGAAAGTCGAAAACGTTGGCAATTTCAGACAACGTATTTAAAG[C>T]CATTTCTCTCTGGTGAGCCACATCTTGTTTTCGCACGTCAGCATTCTGGCATGGAGTATT-3'
Protein context (NP_001175.2, residues 961-981): KQDVAHQREM[Ala971Thr]LNTLSEIANV